The following is an entry in ClinVar:

ClinVar aggregate classification (germline): Uncertain significance (1 of 4 stars; one submission).

Conditions:
Bethlem myopathy 1A. Also called: Bethlem Muscular Dystrophy; Bethlem myopathy 1; MYOPATHY, BENIGN CONGENITAL, WITH CONTRACTURES. Identifiers: Orphanet 610, MedGen CN029274, MONDO:0024530, OMIM 158810.

Allele frequency attached by ClinVar (database versions not stated): ExAC 0.00002; TOPMed below 0.00001; gnomAD exomes 0.00001.
gnomAD v4.1: 3 of 1,601,232 alleles (0.00019%); highest among the groups gnomAD compares: South Asian, 0.0023%; no homozygotes.

Submission:

Labcorp Genetics (formerly Invitae), Labcorp
Classification: Uncertain significance for Bethlem myopathy 1A. Last evaluated: 2025-12-13. Review status: criteria provided, single submitter. Criteria: Invitae Variant Classification Sherloc (09022015). Collection method: clinical testing. Allele origin: germline.
Comment: This sequence change replaces isoleucine, which is neutral and non-polar, with threonine, which is neutral and polar, at codon 562 of the COL6A1 protein (p.Ile562Thr). The frequency data for this variant in the population databases is considered unreliable, as metrics indicate poor data quality at this position in the gnomAD database. This variant has not been reported in the literature in individuals affected with COL6A1-related conditions. ClinVar contains an entry for this variant (Variation ID: 959622). Invitae Evidence Modeling of protein sequence and biophysical properties (such as structural, functional, and spatial information, amino acid conservation, physicochemical variation, residue mobility, and thermodynamic stability) indicates that this missense variant is expected to disrupt COL6A1 protein function with a positive predictive value of 95%. In summary, the available evidence is currently insufficient to determine the role of this variant in disease. Therefore, it has been classified as a Variant of Uncertain Significance.

NM_001848.3(COL6A1):c.1685T>C (p.Ile562Thr)

Gene: COL6A1 (collagen type VI alpha 1 chain; plus strand). Cytogenetic location: 21q22.3.
Variant type: single nucleotide variant.
Coding change: c.1685T>C on transcript NM_001848.3 (MANE Select); coding-DNA position 1685, T replaced by C.
Protein change: p.Ile562Thr; replaces isoleucine 562 with threonine.
Molecular consequence: missense variant.
Genome position (GRCh38, 1-based): chr21:45,999,163, T>C. VCF-style: chr21-45999163-T-C. GRCh37 (hg19) VCF-style: chr21-47419077-T-C.
Other names: short protein forms I562T.
Identifiers: ClinVar variation 959622 (VCV000959622.10), dbSNP rs775182845, ClinGen allele CA10070493.